The following is an entry in ClinVar:

ClinVar aggregate classification (germline): Uncertain significance (1 of 4 stars; one submission).

Conditions:
Fanconi anemia (FA). Also called: Fanconi's anemia. Identifiers: Orphanet 84, MedGen C0015625, MeSH D005199, MONDO:0019391.

Submission:

Labcorp Genetics (formerly Invitae), Labcorp
Classification: Uncertain significance for Fanconi anemia. Last evaluated: 2021-06-21. Review status: criteria provided, single submitter. Criteria: Invitae Variant Classification Sherloc (09022015). Collection method: clinical testing. Allele origin: germline.
Comment: This sequence change replaces aspartic acid with glutamic acid at codon 1522 of the FANCM protein (p.Asp1522Glu). The aspartic acid residue is moderately conserved and there is a small physicochemical difference between aspartic acid and glutamic acid. This variant is not present in population databases (ExAC no frequency). This variant has not been reported in the literature in individuals with FANCM-related conditions. Algorithms developed to predict the effect of missense changes on protein structure and function output the following: SIFT: "Tolerated"; PolyPhen-2: "Benign"; Align-GVGD: "Class C0". The glutamic acid amino acid residue is found in multiple mammalian species, suggesting that this missense change does not adversely affect protein function. These predictions have not been confirmed by published functional studies and their clinical significance is uncertain. In summary, the available evidence is currently insufficient to determine the role of this variant in disease. Therefore, it has been classified as a Variant of Uncertain Significance.

NM_020937.4(FANCM):c.4566T>G (p.Asp1522Glu)

Gene: FANCM (FA complementation group M; plus strand). Cytogenetic location: 14q21.2.
Variant type: single nucleotide variant.
Coding change: c.4566T>G on transcript NM_020937.4 (MANE Select); coding-DNA position 4566, T replaced by G.
Protein change: p.Asp1522Glu; replaces aspartic acid 1522 with glutamic acid.
Molecular consequence: missense variant.
Genome position (GRCh38, 1-based): chr14:45,185,267, T>G. VCF-style: chr14-45185267-T-G. GRCh37 (hg19) VCF-style: chr14-45654470-T-G.
Other names: c.4488T>G, p.Asp1496Glu (NM_001308133.2); short protein forms D1522E, D1496E.
Identifiers: ClinVar variation 1479970 (VCV001479970.8), dbSNP rs375131983, ClinGen allele CA389608177.